The following is an entry in ClinVar:

ClinVar aggregate classification (germline): Likely pathogenic (1 of 4 stars; one submission).

Conditions:
Deficiency of UDPglucose-hexose-1-phosphate uridylyltransferase. Also called: GALT deficiency; Galactosemia, classic; Transferase Deficiency Galactosemia; GALACTOSEMIA I; GALACTOSE-1-PHOSPHATE URIDYLYLTRANSFERASE DEFICIENCY. Identifiers: Orphanet 352, Orphanet 79239, MedGen C0268151, MONDO:0009258, OMIM 230400.

Submission:

Labcorp Genetics (formerly Invitae), Labcorp
Classification: Likely pathogenic for Deficiency of UDPglucose-hexose-1-phosphate uridylyltransferase. Last evaluated: 2025-12-15. Review status: criteria provided, single submitter. Criteria: Invitae Variant Classification Sherloc (09022015). Collection method: clinical testing. Allele origin: germline.
Comment: This sequence change replaces histidine, which is basic and polar, with tyrosine, which is neutral and polar, at codon 319 of the GALT protein (p.His319Tyr). This variant is not present in population databases (gnomAD no frequency). This variant has not been reported in the literature in individuals affected with GALT-related conditions. Invitae Evidence Modeling of protein sequence and biophysical properties (such as structural, functional, and spatial information, amino acid conservation, physicochemical variation, residue mobility, and thermodynamic stability) indicates that this missense variant is expected to disrupt GALT protein function with a positive predictive value of 95%. This variant disrupts the p.His319 amino acid residue in GALT. Other variant(s) that disrupt this residue have been determined to be pathogenic (PMID: 2233247, 20008339, 23022339). This suggests that this residue is clinically significant, and that variants that disrupt this residue are likely to be disease-causing. In summary, the currently available evidence indicates that the variant is pathogenic, but additional data are needed to prove that conclusively. Therefore, this variant has been classified as Likely Pathogenic.

Literature cited by the submitters: PubMed 2233247; PubMed 20008339; PubMed 23022339.

NM_000155.4(GALT):c.955C>T (p.His319Tyr)

Gene: GALT (galactose-1-phosphate uridylyltransferase; plus strand). Cytogenetic location: 9p13.3.
Variant type: single nucleotide variant.
Coding change: c.955C>T on transcript NM_000155.4 (MANE Select); coding-DNA position 955, C replaced by T.
Protein change: p.His319Tyr; replaces histidine 319 with tyrosine.
Molecular consequence: missense variant.
Genome position (GRCh38, 1-based): chr9:34,649,460, C>T. VCF-style: chr9-34649460-C-T. GRCh37 (hg19) VCF-style: chr9-34649457-C-T.
Other names: c.628C>T, p.His210Tyr (NM_001258332.2); short protein forms H210Y, H319Y.
Identifiers: ClinVar variation 4715756 (VCV004715756.1).